The following is an entry in ClinVar:

ClinVar aggregate classification (germline): Uncertain significance (1 of 4 stars; one submission).

Allele frequency attached by ClinVar (database versions not stated): gnomAD exomes below 0.00001.
gnomAD v4.1: 1 of 1,613,976 alleles (0.000062%); highest among the groups gnomAD compares: Non-Finnish European, 0.000085%; no homozygotes.

Submission:

Labcorp Genetics (formerly Invitae), Labcorp
Classification: Uncertain significance. Last evaluated: 2022-03-01. Review status: criteria provided, single submitter. Criteria: Invitae Variant Classification Sherloc (09022015). Collection method: clinical testing. Allele origin: germline.
Comment: This sequence change replaces aspartic acid, which is acidic and polar, with tyrosine, which is neutral and polar, at codon 79 of the ELP1 protein (p.Asp79Tyr). This variant is not present in population databases (gnomAD no frequency). This variant has not been reported in the literature in individuals affected with ELP1-related conditions. Algorithms developed to predict the effect of missense changes on protein structure and function are either unavailable or do not agree on the potential impact of this missense change (SIFT: "Deleterious"; PolyPhen-2: "Probably Damaging"; Align-GVGD: "Class C0"). In summary, the available evidence is currently insufficient to determine the role of this variant in disease. Therefore, it has been classified as a Variant of Uncertain Significance.

NM_003640.5(ELP1):c.235G>T (p.Asp79Tyr)

Gene: ELP1 (elongator acetyltransferase complex subunit 1; minus strand). Cytogenetic location: 9q31.3.
Variant type: single nucleotide variant.
Coding change: c.235G>T on transcript NM_003640.5 (MANE Select); coding-DNA position 235, G replaced by T.
Protein change: p.Asp79Tyr; replaces aspartic acid 79 with tyrosine.
Molecular consequence: missense variant. On other transcripts: 5 prime UTR variant (2).
Genome position (GRCh38, 1-based): chr9:108,929,837, C>A on the plus strand (G>T on the coding strand, the complement: ELP1 is on the minus strand). VCF-style: chr9-108929837-C-A. GRCh37 (hg19) VCF-style: chr9-111692117-C-A.
Other names: c.-108G>T (NM_001318360.2); c.-625G>T (NM_001330749.2); short protein forms D79Y.
Identifiers: ClinVar variation 2098875 (VCV002098875.4), dbSNP rs1554703582, ClinGen allele CA374394081.